The following is an entry in ClinVar:

ClinVar aggregate classification (germline): Pathogenic (1 of 4 stars; one submission).

Conditions:
Autosomal recessive polycystic kidney disease (ARPKD). Also called: AR polycystic kidney disease. Identifiers: Orphanet 731, Orphanet 8378, MedGen C0085548, MeSH D017044, MONDO:0009889.

Submissions (2):

Natera, Inc.
Classification: Pathogenic for Autosomal recessive polycystic kidney disease. Last evaluated: 2025-12-05. Review status: criteria provided, single submitter. Criteria: Natera Variant Classification Schema (03/2026). Collection method: clinical testing. Allele origin: germline.
Comment: The c.1693+1G>A variant in PKHD1 is a canonical splice donor site variant predicted to affect pre-mRNA splicing, which may result in an abnormal transcript and altered protein product. This variant is expected to result in nonsense mediated decay, truncation, or a dysfunctional protein product. This variant is rare in the general population with a frequency below the threshold expected for the associated phenotype(s). Another variant at this same site results in an alteration predicted to cause a similar molecular effect has been observed in individual(s) with the associated phenotype. Given the available evidence, this variant is classified as Pathogenic.

Dr. Peter K. Rogan Lab, Western University
No classification provided (evidence only). Condition: Pancreatic adenocarcinoma. Review status: no classification provided. Collection method: in vitro. Allele origin: not applicable. Functional consequence: retained intron. Not counted in ClinVar's aggregate classification.

NM_138694.4(PKHD1):c.1693+1G>A

Gene: PKHD1 (PKHD1 ciliary IPT domain containing fibrocystin/polyductin; minus strand). Cytogenetic location: 6p12.2.
Variant type: single nucleotide variant.
Coding change: c.1693+1G>A on transcript NM_138694.4 (MANE Select); the canonical splice donor site of the intron after coding-DNA position 1693, G replaced by A.
Molecular consequence: splice donor variant.
Genome position (GRCh38, 1-based): chr6:52,056,697, C>T on the plus strand (G>A on the coding strand, the complement: PKHD1 is on the minus strand). VCF-style: chr6-52056697-C-T. GRCh37 (hg19) VCF-style: chr6-51921495-C-T.
Other names: NC_000006.11:g.51921495C>T; c.1693+1G>A (NM_138694.3, NM_170724.3).
Identifiers: ClinVar variation 4329324 (VCV004329324.2).